The following is an entry in ClinVar:

NM_003073.5(SMARCB1):c.735C>T (p.Ile245=)

Gene: SMARCB1 (SWI/SNF related BAF chromatin remodeling complex subunit B1; plus strand). Cytogenetic location: 22q11.23.
Variant type: single nucleotide variant.
Coding change: c.735C>T on transcript NM_003073.5 (MANE Select); coding-DNA position 735, C replaced by T.
Protein change: p.Ile245=; no amino-acid change (isoleucine 245 retained).
Molecular consequence: synonymous variant.
Genome position (GRCh38, 1-based): chr22:23,816,876, C>T. VCF-style: chr22-23816876-C-T. GRCh37 (hg19) VCF-style: chr22-24159063-C-T.
Other names: c.708C>T, p.Ile236= (NM_001007468.3); c.762C>T, p.Ile254= (NM_001317946.2); c.789C>T, p.Ile263= (NM_001362877.2); c.735C>T (NM_003073.4).
Identifiers: ClinVar variation 826985 (VCV000826985.16), dbSNP rs570024912, ClinGen allele CA10146038.

ClinVar aggregate classification (germline): Likely benign. Review status: criteria provided, multiple submitters, no conflicts (2 of 4 stars). 4 submissions from 4 submitters: Likely benign (3). 1 of the submissions does not count toward it. Last evaluated 2025-11-05.

Conditions:
SMARCB1-related disorder. Also called: SMARCB1-related disorders; SMARCB1-related condition.
Hereditary cancer-predisposing syndrome. Also called: Tumor predisposition; Hereditary neoplastic syndrome; Neoplastic Syndromes, Hereditary; Hereditary Cancer Syndrome. Identifiers: Orphanet 140162, MedGen C0027672, MeSH D009386, MONDO:0015356.

Allele frequency attached by ClinVar (database versions not stated): ExAC 0.00001; TOPMed 0.00005.

Submissions (4):

Labcorp Genetics (formerly Invitae), Labcorp
Classification: Likely benign. Last evaluated: 2025-11-05. Review status: criteria provided, single submitter. Criteria: Invitae Variant Classification Sherloc (09022015). Collection method: clinical testing. Allele origin: germline.

Sema4
Classification: Likely benign for Hereditary cancer-predisposing syndrome. Last evaluated: 2021-03-01. Review status: criteria provided, single submitter. Criteria: Sema4 Curation Guidelines. Collection method: curation. Allele origin: germline.

Ambry Genetics
Classification: Likely benign for Hereditary cancer-predisposing syndrome. Last evaluated: 2018-10-18. Review status: criteria provided, single submitter. Criteria: Ambry Variant Classification Scheme 2023. Collection method: clinical testing. Allele origin: germline.

PreventionGenetics, part of Exact Sciences
Classification: Likely benign for SMARCB1-related condition. Last evaluated: 2023-02-22. Review status: no assertion criteria provided. Collection method: clinical testing. Allele origin: germline. Not counted in ClinVar's aggregate classification.
Comment: This variant is classified as likely benign based on ACMG/AMP sequence variant interpretation guidelines (Richards et al. 2015 PMID: 25741868, with internal and published modifications).